The following is an entry in ClinVar:

NM_001134407.3(GRIN2A):c.1912G>A (p.Ala638Thr)

Gene: GRIN2A (glutamate ionotropic receptor NMDA type subunit 2A; minus strand). Cytogenetic location: 16p13.2.
Variant type: single nucleotide variant.
Coding change: c.1912G>A on transcript NM_001134407.3 (MANE Select); coding-DNA position 1912, G replaced by A.
Protein change: p.Ala638Thr; replaces alanine 638 with threonine.
Molecular consequence: missense variant.
Genome position (GRCh38, 1-based): chr16:9,829,518, C>T on the plus strand (G>A on the coding strand, the complement: GRIN2A is on the minus strand). VCF-style: chr16-9829518-C-T. GRCh37 (hg19) VCF-style: chr16-9923375-C-T.
Other names: c.1912G>A, p.Ala638Thr (NM_000833.5, NM_001134408.2); short protein forms A638T.
Identifiers: ClinVar variation 3692399 (VCV003692399.2).

ClinVar aggregate classification (germline): Likely pathogenic (1 of 4 stars; one submission).

Conditions:
Landau-Kleffner syndrome (FESD). Also called: EPILEPSY, FOCAL, WITH SPEECH DISORDER AND WITH OR WITHOUT MENTAL RETARDATION; APHASIA, ACQUIRED, WITH EPILEPSY. Identifiers: Orphanet 1945, Orphanet 725, Orphanet 98818, MedGen C0282512, MONDO:0009509, OMIM 245570.

Submission:

Labcorp Genetics (formerly Invitae), Labcorp
Classification: Likely pathogenic for Landau-Kleffner syndrome. Last evaluated: 2024-12-09. Review status: criteria provided, single submitter. Criteria: Invitae Variant Classification Sherloc (09022015). Collection method: clinical testing. Allele origin: germline.
Comment: This sequence change replaces alanine, which is neutral and non-polar, with threonine, which is neutral and polar, at codon 638 of the GRIN2A protein (p.Ala638Thr). This variant is not present in population databases (gnomAD no frequency). This variant has not been reported in the literature in individuals affected with GRIN2A-related conditions. This missense change has been observed in at least one individual who was not affected with GRIN2A-related conditions (internal data). Invitae Evidence Modeling of protein sequence and biophysical properties (such as structural, functional, and spatial information, amino acid conservation, physicochemical variation, residue mobility, and thermodynamic stability) indicates that this missense variant is expected to disrupt GRIN2A protein function with a positive predictive value of 95%. This variant disrupts the p.Ala638 amino acid residue in GRIN2A. Other variant(s) that disrupt this residue have been determined to be pathogenic (PMID: 38764027). This suggests that this residue is clinically significant, and that variants that disrupt this residue are likely to be disease-causing. In summary, the currently available evidence indicates that the variant is pathogenic, but additional data are needed to prove that conclusively. Therefore, this variant has been classified as Likely Pathogenic.

Literature cited by the submitters: PubMed 38764027.